The following is an entry in ClinVar:

NM_002439.5(MSH3):c.2655A>G (p.Ser885=)

Gene: MSH3 (mutS homolog 3; plus strand). Cytogenetic location: 5q14.1.
Variant type: single nucleotide variant.
Coding change: c.2655A>G on transcript NM_002439.5 (MANE Select); coding-DNA position 2655, A replaced by G.
Protein change: p.Ser885=; no amino-acid change (serine 885 retained).
Molecular consequence: synonymous variant.
Genome position (GRCh38, 1-based): chr5:80,792,844, A>G. VCF-style: chr5-80792844-A-G. GRCh37 (hg19) VCF-style: chr5-80088663-A-G.
Identifiers: ClinVar variation 656396 (VCV000656396.19), dbSNP rs192592067, ClinGen allele CA3328309.
Genomic context (GRCh38, chr5:80,792,844, plus strand): 5'-TGTGATTGATGTGTTGCTGGGAGAACAGGATCAATATGTCCCAAATAATACAGATTTATC[A>G]GTAAGTACCTTATGCCAAAAAATAAGTCGATGATAACATCCCAAACTTTTACATACCAAA-3'
Protein context (NP_002430.3, residues 875-895): DQYVPNNTDL[Ser885=]EDSERVMIIT

ClinVar aggregate classification (germline): Conflicting classifications of pathogenicity. Review status: criteria provided, conflicting classifications (1 of 4 stars). 7 submissions from 7 submitters: Uncertain significance (1); Likely benign (6). Last evaluated 2026-01-31.

Conditions:
MSH3-related disorder. Also called: MSH3-related condition.
Familial adenomatous polyposis 4 (FAP4). Also called: MSH3-related attenuated familial adenomatous polyposis. Identifiers: Orphanet 480536, MedGen C4310719, MONDO:0044300, OMIM 617100.
Hereditary cancer-predisposing syndrome. Also called: Tumor predisposition; Hereditary neoplastic syndrome; Hereditary Cancer Syndrome; Neoplastic Syndromes, Hereditary. Identifiers: Orphanet 140162, MedGen C0027672, MeSH D009386, MONDO:0015356.

Allele frequency attached by ClinVar (database versions not stated): gnomAD 0.00001 and 0.00005; gnomAD exomes 0.00002 and 0.00007; TOPMed 0.00002; ExAC 0.00009; 1000 Genomes Project 0.00060; 1000 Genomes Project 30x 0.00062.
gnomAD v4.1: 41 of 1,583,280 alleles (0.0026%); highest among the groups gnomAD compares: East Asian, 0.029%; no homozygotes.

Submissions (7):

Labcorp Genetics (formerly Invitae), Labcorp
Classification: Likely benign. Last evaluated: 2026-01-31. Review status: criteria provided, single submitter. Criteria: Invitae Variant Classification Sherloc (09022015). Collection method: clinical testing. Allele origin: germline.

Center for Genomic Medicine, Rigshospitalet, Copenhagen University Hospital
Classification: Likely benign. Last evaluated: 2025-12-29. Review status: criteria provided, single submitter. Criteria: ACMG Guidelines, 2015. Collection method: clinical testing. Allele origin: germline.

PreventionGenetics, part of Exact Sciences
Classification: Likely benign for MSH3-related condition. Last evaluated: 2025-06-02. Review status: criteria provided, single submitter. Criteria: ACMG Guidelines, 2015. Collection method: clinical testing. Allele origin: germline.
Comment: This variant is classified as likely benign based on ACMG/AMP sequence variant interpretation guidelines (Richards et al. 2015 PMID: 25741868, with internal and published modifications).

Myriad Genetics, Inc.
Classification: Likely benign for Familial adenomatous polyposis 4. Last evaluated: 2023-12-13. Review status: criteria provided, single submitter. Criteria: Myriad Autosomal Dominant, Autosomal Recessive and X-Linked Classification Criteria (2023). Collection method: clinical testing. Allele origin: unknown.
Comment: This variant is considered likely benign. This variant is a silent/synonymous amino acid change and it is not expected to impact splicing.

Department of Pathology and Laboratory Medicine, Sinai Health System
Classification: Likely benign for Familial adenomatous polyposis 4. Last evaluated: 2023-08-03. Review status: criteria provided, single submitter. Criteria: ACMG Guidelines, 2015. Collection method: clinical testing. Allele origin: germline. Affected: yes.

Sema4
Classification: Uncertain significance for Hereditary cancer-predisposing syndrome. Last evaluated: 2021-10-28. Review status: criteria provided, single submitter. Criteria: Sema4 Curation Guidelines. Collection method: curation. Allele origin: germline.
Comment: The MSH3 c.2655A>G (p.S885=) variant has not been reported in the literature to our knowledge. It was not observed in the large and broad cohorts of the Genome Aggregation Database (PMID: 32461654). This variant has been reported in ClinVar (Variation ID: 656396). The evidence is insufficient to meet ACMG/AMP criteria for classifying the variant as benign or pathogenic. Thus, the clinical significance of this variant is currently uncertain.

Ambry Genetics
Classification: Likely benign for Hereditary cancer-predisposing syndrome. Last evaluated: 2019-06-26. Review status: criteria provided, single submitter. Criteria: Ambry Variant Classification Scheme 2023. Collection method: clinical testing. Allele origin: germline.